The following is an entry in ClinVar:

NM_018341.3(ERMARD):c.1486G>A (p.Val496Met)

Gene: ERMARD (ER membrane associated RNA degradation; plus strand). Cytogenetic location: 6q27.
Variant type: single nucleotide variant.
Coding change: c.1486G>A on transcript NM_018341.3 (MANE Select); coding-DNA position 1486, G replaced by A.
Protein change: p.Val496Met; replaces valine 496 with methionine.
Molecular consequence: missense variant.
Genome position (GRCh38, 1-based): chr6:169,776,031, G>A. VCF-style: chr6-169776031-G-A. GRCh37 (hg19) VCF-style: chr6-170176127-G-A.
Other names: c.1486G>A, p.Val496Met (NM_001278531.2, NM_001278533.2); c.1108G>A, p.Val370Met (NM_001278532.2); c.1078G>A, p.Val360Met (NM_001410957.1); short protein forms V360M, V370M, V496M.
Identifiers: ClinVar variation 3678078 (VCV003678078.2).
Genomic context (GRCh38, chr6:169,776,031, plus strand): 5'-CACTCTTTGATTACAAAAATGACGGATGAGCTGTATCACCATATGCCTGAGAATCGTTGT[G>A]TGTTAAAGGACTTGGATCGTCTTCCTACTGAGACGTAAGTTCCAGGACATCCTGACAACT-3'
Protein context (NP_060811.1, residues 486-506): LYHHMPENRC[Val496Met]LKDLDRLPTE

ClinVar aggregate classification (germline): Uncertain significance (1 of 4 stars; one submission).

gnomAD v4.1: 1 of 1,614,040 alleles (0.000062%); highest among the groups gnomAD compares: Non-Finnish European, 0.000085%; no homozygotes.

Submission:

Labcorp Genetics (formerly Invitae), Labcorp
Classification: Uncertain significance. Last evaluated: 2024-10-24. Review status: criteria provided, single submitter. Criteria: Invitae Variant Classification Sherloc (09022015). Collection method: clinical testing. Allele origin: germline.
Comment: This sequence change replaces valine, which is neutral and non-polar, with methionine, which is neutral and non-polar, at codon 496 of the ERMARD protein (p.Val496Met). This variant is present in population databases (no rsID available, gnomAD 0.007%). This variant has not been reported in the literature in individuals affected with ERMARD-related conditions. Invitae Evidence Modeling of protein sequence and biophysical properties (such as structural, functional, and spatial information, amino acid conservation, physicochemical variation, residue mobility, and thermodynamic stability) indicates that this missense variant is not expected to disrupt ERMARD protein function with a negative predictive value of 80%. In summary, the available evidence is currently insufficient to determine the role of this variant in disease. Therefore, it has been classified as a Variant of Uncertain Significance.